The following is an entry in ClinVar:

ClinVar aggregate classification (germline): Benign/Likely benign. Review status: criteria provided, multiple submitters, no conflicts (2 of 4 stars). 7 submissions from 7 submitters: Benign (1); Likely benign (5). 1 of the submissions does not count toward it. Last evaluated 2026-02-01.

Conditions:
Hereditary cancer-predisposing syndrome. Also called: Neoplastic Syndromes, Hereditary; Hereditary neoplastic syndrome; Hereditary Cancer Syndrome; Tumor predisposition. Identifiers: Orphanet 140162, MedGen C0027672, MeSH D009386, MONDO:0015356.
POLD1-related polyposis and colorectal cancer syndrome (CRCS10). Also called: Colorectal cancer, susceptibility to, 10; Colorectal cancer 10; COLORECTAL CANCER, SUSCEPTIBILITY TO, ON CHROMOSOME 19q. Identifiers: Orphanet 220460, MedGen C2675481, MONDO:0012953, OMIM 612591.
POLD1-related disorder. Also called: POLD1-related disorders; POLD1-related condition.

Allele frequency attached by ClinVar (database versions not stated): gnomAD below 0.00001 and 0.00001; ExAC 0.00001; gnomAD exomes 0.00001.
gnomAD v4.1: 22 of 1,612,390 alleles (0.0014%); highest among the groups gnomAD compares: Admixed American, 0.0033%; no homozygotes.

Submissions (7):

Labcorp Genetics (formerly Invitae), Labcorp
Classification: Likely benign for POLD1-related polyposis and colorectal cancer syndrome. Last evaluated: 2026-02-01. Review status: criteria provided, single submitter. Criteria: Invitae Variant Classification Sherloc (09022015). Collection method: clinical testing. Allele origin: germline.

Center for Genomic Medicine, Rigshospitalet, Copenhagen University Hospital
Classification: Likely benign. Last evaluated: 2025-03-04. Review status: criteria provided, single submitter. Criteria: ACMG Guidelines, 2015. Collection method: clinical testing. Allele origin: germline.

KCCC/NGS Laboratory, Kuwait Cancer Control Center
Classification: Benign for POLD1-related polyposis and colorectal cancer syndrome. Last evaluated: 2025-02-01. Review status: criteria provided, single submitter. Criteria: ACMG Guidelines, 2015. Collection method: clinical testing. Allele origin: germline. Affected: no.

GeneDx
Classification: Likely benign. Last evaluated: 2019-12-11. Review status: criteria provided, single submitter. Criteria: GeneDx Variant Classification Process June 2021. Collection method: clinical testing. Allele origin: germline. Affected: yes.

Mendelics
Classification: Likely benign for POLD1-related polyposis and colorectal cancer syndrome. Last evaluated: 2019-05-28. Review status: criteria provided, single submitter. Criteria: Mendelics Assertion Criteria 2017. Collection method: clinical testing. Allele origin: unknown.

Ambry Genetics
Classification: Likely benign for Hereditary cancer-predisposing syndrome. Last evaluated: 2017-08-03. Review status: criteria provided, single submitter. Criteria: Ambry Variant Classification Scheme 2023. Collection method: clinical testing. Allele origin: germline.

PreventionGenetics, part of Exact Sciences
Classification: Likely benign for POLD1-related condition. Last evaluated: 2022-03-11. Review status: no assertion criteria provided. Collection method: clinical testing. Allele origin: germline. Not counted in ClinVar's aggregate classification.
Comment: This variant is classified as likely benign based on ACMG/AMP sequence variant interpretation guidelines (Richards et al. 2015 PMID: 25741868, with internal and published modifications).

NM_002691.4(POLD1):c.2157C>T (p.Ser719=)

Gene: POLD1 (DNA polymerase delta 1, catalytic subunit; plus strand). Cytogenetic location: 19q13.33.
Variant type: single nucleotide variant.
Coding change: c.2157C>T on transcript NM_002691.4 (MANE Select); coding-DNA position 2157, C replaced by T.
Protein change: p.Ser719=; no amino-acid change (serine 719 retained).
Molecular consequence: synonymous variant. On other transcripts: non-coding transcript variant (1).
Genome position (GRCh38, 1-based): chr19:50,413,428, C>T. VCF-style: chr19-50413428-C-T. GRCh37 (hg19) VCF-style: chr19-50916685-C-T.
Other names: c.2157C>T, p.Ser719= (NM_001256849.1); c.2235C>T, p.Ser745= (NM_001308632.1).
Identifiers: ClinVar variation 414768 (VCV000414768.26), dbSNP rs760678755, ClinGen allele CA9596433.